The following is an entry in ClinVar:

NM_003280.3(TNNC1):c.144G>T (p.Leu48=)

Gene: TNNC1 (troponin C1, slow skeletal and cardiac type; minus strand). Cytogenetic location: 3p21.1.
Variant type: single nucleotide variant.
Coding change: c.144G>T on transcript NM_003280.3 (MANE Select); coding-DNA position 144, G replaced by T.
Protein change: p.Leu48=; no amino-acid change (leucine 48 retained).
Molecular consequence: synonymous variant.
Genome position (GRCh38, 1-based): chr3:52,452,164, C>A on the plus strand (G>T on the coding strand, the complement: TNNC1 is on the minus strand). VCF-style: chr3-52452164-C-A. GRCh37 (hg19) VCF-style: chr3-52486180-C-A.
Other names: c.144G>T (NM_003280.2).
Identifiers: ClinVar variation 1284765 (VCV001284765.5), dbSNP rs1251887019, ClinGen allele CA433886819.

ClinVar aggregate classification (germline): Conflicting classifications of pathogenicity. Review status: criteria provided, conflicting classifications (1 of 4 stars). 4 submissions from 4 submitters: Uncertain significance (1); Likely benign (1). 2 of the submissions do not count toward it. Last evaluated 2026-08-01.

Allele frequency attached by ClinVar (database versions not stated): gnomAD 0.00001.
gnomAD v4.1: 16 of 1,613,890 alleles (0.00099%); highest among the groups gnomAD compares: Admixed American, 0.0017%; no homozygotes.

Submissions (4):

CeGaT Center for Human Genetics Tuebingen
Classification: Likely benign. Last evaluated: 2026-08-01. Review status: criteria provided, single submitter. Criteria: CeGaT Center For Human Genetics Tuebingen Variant Classification Criteria Version 2. Collection method: clinical testing. Allele origin: germline. Affected: yes. Observed: 1 variant allele.
Comment: TNNC1: BP4

GeneDx
Classification: Uncertain significance. Last evaluated: 2024-03-19. Review status: criteria provided, single submitter. Criteria: GeneDx Variant Classification Process June 2021. Collection method: clinical testing. Allele origin: germline. Affected: yes.
Comment: Has not been previously published as pathogenic or benign to our knowledge; Not observed at significant frequency in large population cohorts (gnomAD); In silico analysis supports that this variant does not alter splicing

Clinical Genetics DNA and cytogenetics Diagnostics Lab, Erasmus MC, Erasmus Medical Center
Classification: Likely benign. Review status: no assertion criteria provided. Collection method: clinical testing. Allele origin: germline. Affected: yes. Study: VKGL Data-share Consensus. Not counted in ClinVar's aggregate classification.

Clinical Genetics, Academic Medical Center
Classification: Benign. Review status: no assertion criteria provided. Collection method: clinical testing. Allele origin: germline. Affected: yes. Study: VKGL Data-share Consensus. Not counted in ClinVar's aggregate classification.